The following is an entry in ClinVar:

ClinVar aggregate classification (germline): Likely benign (1 of 4 stars; one submission).

Conditions:
Mast syndrome. Also called: SPASTIC PARAPLEGIA 21, AUTOSOMAL RECESSIVE. Identifiers: Orphanet 101001, MedGen C1855346, MONDO:0009568, OMIM 248900.

Allele frequency attached by ClinVar (database versions not stated): 1000 Genomes Project 0.01038; 1000 Genomes Project 30x 0.01093; TOPMed 0.01487; gnomAD 0.01642 and 0.01694; gnomAD exomes 0.02158.

Submission:

Illumina Laboratory Services, Illumina
Classification: Likely benign for Mast syndrome. Last evaluated: 2017-04-27. Review status: criteria provided, single submitter. Criteria: ICSL Variant Classification Criteria 13 December 2019. Collection method: clinical testing. Allele origin: germline.
Comment: This variant was observed as part of a predisposition screen in an ostensibly healthy population. A literature search was performed for the gene, cDNA change, and amino acid change (where applicable). No publications were found based on this search. Allele frequency data from public databases allowed determination this variant is unlikely to cause disease. Therefore, this variant is classified as likely benign.

NM_016630.7(SPG21):c.*489C>T

Gene: SPG21 (SPG21 abhydrolase domain containing, maspardin; minus strand). Cytogenetic location: 15q22.31.
Variant type: single nucleotide variant.
Coding change: c.*489C>T on transcript NM_016630.7 (MANE Select); 489 bases downstream of the stop codon, C replaced by T.
Molecular consequence: 3 prime UTR variant.
Genome position (GRCh38, 1-based): chr15:64,963,131, G>A on the plus strand (C>T on the coding strand, the complement: SPG21 is on the minus strand). VCF-style: chr15-64963131-G-A. GRCh37 (hg19) VCF-style: chr15-65255472-G-A.
Other names: c.*489C>T (NM_001127889.5, NM_001127890.5).
Identifiers: ClinVar variation 884249 (VCV000884249.4), dbSNP rs72740671, ClinGen allele CA271497425.